The following is an entry in ClinVar:

ClinVar aggregate classification (germline): Uncertain significance (1 of 4 stars; one submission).

Conditions:
Combined immunodeficiency due to DOCK8 deficiency (HIES2). Also called: HIES autosomal recessive; HYPER-IgE SYNDROME 2, AUTOSOMAL RECESSIVE, WITH RECURRENT INFECTIONS; HYPER-IgE RECURRENT INFECTION SYNDROME 2, AUTOSOMAL RECESSIVE; DOCK8 Deficiency; Hyper-IgE recurrent infection syndrome, autosomal recessive. Identifiers: Orphanet 217390, MedGen C4722305, MONDO:0009478, OMIM 243700.

Allele frequency attached by ClinVar (database versions not stated): TOPMed below 0.00001; gnomAD 0.00001; gnomAD exomes 0.00001 and 0.00003; ExAC 0.00002; 1000 Genomes Project 0.00020; 1000 Genomes Project 30x 0.00031.
gnomAD v4.1: 8 of 1,614,130 alleles (0.0005%); highest among the groups gnomAD compares: Admixed American, 0.012%; no homozygotes.

Submission:

Labcorp Genetics (formerly Invitae), Labcorp
Classification: Uncertain significance for Combined immunodeficiency due to DOCK8 deficiency. Last evaluated: 2022-08-20. Review status: criteria provided, single submitter. Criteria: Invitae Variant Classification Sherloc (09022015). Collection method: clinical testing. Allele origin: germline.
Comment: This sequence change replaces glutamine, which is neutral and polar, with arginine, which is basic and polar, at codon 568 of the DOCK8 protein (p.Gln568Arg). This variant is present in population databases (rs551705105, gnomAD 0.02%). This variant has not been reported in the literature in individuals affected with DOCK8-related conditions. ClinVar contains an entry for this variant (Variation ID: 835801). Algorithms developed to predict the effect of missense changes on protein structure and function (SIFT, PolyPhen-2, Align-GVGD) all suggest that this variant is likely to be tolerated. In summary, the available evidence is currently insufficient to determine the role of this variant in disease. Therefore, it has been classified as a Variant of Uncertain Significance.

NM_203447.4(DOCK8):c.1703A>G (p.Gln568Arg)

Gene: DOCK8 (dedicator of cytokinesis 8; plus strand). Cytogenetic location: 9p24.3.
Variant type: single nucleotide variant.
Coding change: c.1703A>G on transcript NM_203447.4 (MANE Select); coding-DNA position 1703, A replaced by G.
Protein change: p.Gln568Arg; replaces glutamine 568 with arginine.
Molecular consequence: missense variant.
Genome position (GRCh38, 1-based): chr9:368,041, A>G. VCF-style: chr9-368041-A-G. GRCh37 (hg19) VCF-style: chr9-368041-A-G.
Other names: c.1499A>G, p.Gln500Arg (NM_001190458.2, NM_001193536.2); short protein forms Q568R, Q500R.
Identifiers: ClinVar variation 835801 (VCV000835801.7), dbSNP rs551705105, ClinGen allele CA4957861.